The following is an entry in ClinVar:

ClinVar aggregate classification (germline): Pathogenic/Likely pathogenic. Review status: criteria provided, multiple submitters, no conflicts (2 of 4 stars). 8 submissions from 8 submitters: Pathogenic (4); Likely pathogenic (3). 1 of the submissions does not count toward it. Last evaluated 2025-11-26.

Conditions:
Hereditary cancer-predisposing syndrome. Also called: Tumor predisposition; Hereditary Cancer Syndrome; Neoplastic Syndromes, Hereditary; Hereditary neoplastic syndrome. Identifiers: Orphanet 140162, MedGen C0027672, MeSH D009386, MONDO:0015356.
Acute lymphoid leukemia (ALL). Also called: Acute lymphoblastic leukemia; Acute lymphocytic leukemia; Leukemia, acute lymphoblastic, somatic; Lymphoblastic leukemia. Identifiers: Orphanet 513, MedGen C0023449, MONDO:0004967, OMIM 613065, HP:0006721.
Microcephaly, normal intelligence and immunodeficiency (NBS). Also called: Nijmegen breakage syndrome; Microcephaly with normal intelligence immunodeficiency and lymphoreticular malignancies; Nonsyndromal microcephaly autosomal recessive with normal intelligence; Seemanova syndrome 2; BERLIN BREAKAGE SYNDROME; IMMUNODEFICIENCY, MICROCEPHALY, AND CHROMOSOMAL INSTABILITY. Identifiers: Orphanet 647, MedGen C0398791, MONDO:0009623, OMIM 251260.
Aplastic anemia. Identifiers: Orphanet 182040, Orphanet 88, MedGen C0002874, MONDO:0015909, OMIM 609135, HP:0001915.

Allele frequency attached by ClinVar (database versions not stated): gnomAD exomes below 0.00001.
gnomAD v4.1: 2 of 1,613,386 alleles (0.00012%); highest among the groups gnomAD compares: South Asian, 0.0011%; no homozygotes.

Submissions (8):

Natera, Inc.
Classification: Likely pathogenic for Nijmegen breakage syndrome. Last evaluated: 2025-11-26. Review status: criteria provided, single submitter. Criteria: Natera Variant Classification Schema (03/2026). Collection method: clinical testing. Allele origin: germline.
Comment: The c.1747C>T variant in NBN is a nonsense variant predicted to introduce a stop codon at amino acid 583. This variant is expected to result in nonsense mediated decay, truncation, or a dysfunctional protein product. This variant is rare in the general population with a frequency below the threshold expected for the associated phenotype(s). Given the available evidence, this variant is classified as Likely Pathogenic.

Baylor Genetics
Classification: Likely pathogenic for Aplastic anemia. Last evaluated: 2024-03-24. Review status: criteria provided, single submitter. Criteria: ACMG Guidelines, 2015. Collection method: clinical testing. Allele origin: unknown.

Labcorp Genetics (formerly Invitae), Labcorp
Classification: Pathogenic for Microcephaly, normal intelligence and immunodeficiency. Last evaluated: 2023-09-09. Review status: criteria provided, single submitter. Criteria: Invitae Variant Classification Sherloc (09022015). Collection method: clinical testing. Allele origin: germline.
Comment: This sequence change creates a premature translational stop signal (p.Gln583*) in the NBN gene. It is expected to result in an absent or disrupted protein product. Loss-of-function variants in NBN are known to be pathogenic (PMID: 9590180, 16415040). This variant is not present in population databases (gnomAD no frequency). This variant has not been reported in the literature in individuals affected with NBN-related conditions. ClinVar contains an entry for this variant (Variation ID: 219533). For these reasons, this variant has been classified as Pathogenic.

Ambry Genetics
Classification: Pathogenic for Hereditary cancer-predisposing syndrome. Last evaluated: 2022-06-09. Review status: criteria provided, single submitter. Criteria: Ambry Variant Classification Scheme 2023. Collection method: clinical testing. Allele origin: germline.
Comment: The p.Q583* pathogenic mutation (also known as c.1747C>T), located in coding exon 11 of the NBN gene, results from a C to T substitution at nucleotide position 1747. This changes the amino acid from a glutamine to a stop codon within coding exon 11. This alteration is expected to result in loss of function by premature protein truncation or nonsense-mediated mRNA decay. As such, this alteration is interpreted as a disease-causing mutation.

Fulgent Genetics
Classification: Pathogenic for Microcephaly, normal intelligence and immunodeficiency; Aplastic anemia; Acute lymphoid leukemia. Last evaluated: 2022-05-12. Review status: criteria provided, single submitter. Criteria: ACMG Guidelines, 2015. Collection method: clinical testing. Allele origin: unknown.

Genome-Nilou Lab
Classification: Pathogenic for Microcephaly, normal intelligence and immunodeficiency. Last evaluated: 2021-11-07. Review status: criteria provided, single submitter. Criteria: ACMG Guidelines, 2015. Collection method: clinical testing. Allele origin: germline. Affected: no.

GeneDx
Classification: Likely pathogenic. Last evaluated: 2021-10-26. Review status: criteria provided, single submitter. Criteria: GeneDx Variant Classification Process June 2021. Collection method: clinical testing. Allele origin: germline. Affected: yes.
Comment: Nonsense variant predicted to result in protein truncation or nonsense mediated decay in a gene for which loss-of-function is a known mechanism of disease; Not observed at significant frequency in large population cohorts (Lek et al., 2016); Identified in two patients with prostate cancer (Wu 2020); This variant is associated with the following publications: (PMID: 31948886)

Counsyl
Classification: Likely pathogenic for Microcephaly, normal intelligence and immunodeficiency. Last evaluated: 2018-02-13. Review status: no assertion criteria provided. Collection method: clinical testing. Allele origin: unknown. Not counted in ClinVar's aggregate classification.

Literature cited by the submitters: PubMed 9590180 (cited by Labcorp Genetics (formerly Invitae), Labcorp); PubMed 16415040 (cited by Labcorp Genetics (formerly Invitae), Labcorp).

NM_002485.5(NBN):c.1747C>T (p.Gln583Ter)

Gene: NBN (nibrin; minus strand). Cytogenetic location: 8q21.3.
Variant type: single nucleotide variant.
Coding change: c.1747C>T on transcript NM_002485.5 (MANE Select); coding-DNA position 1747, C replaced by T.
Protein change: p.Gln583Ter; replaces glutamine 583 with a stop codon.
Molecular consequence: nonsense.
Genome position (GRCh38, 1-based): chr8:89,953,342, G>A on the plus strand (C>T on the coding strand, the complement: NBN is on the minus strand). VCF-style: chr8-89953342-G-A. GRCh37 (hg19) VCF-style: chr8-90965570-G-A.
Other names: c.1501C>T, p.Gln501Ter (NM_001024688.3); short protein forms Q583*, Q501*.
Identifiers: ClinVar variation 219533 (VCV000219533.25), dbSNP rs864622143, ClinGen allele CA350525.